The following is an entry in ClinVar:

ClinVar aggregate classification (germline): Uncertain significance (1 of 4 stars; one submission).

Conditions:
Disseminated atypical mycobacterial infection. Identifiers: MedGen C0694566.

Allele frequency attached by ClinVar (database versions not stated): ExAC 0.00001; gnomAD exomes 0.00001; gnomAD 0.00002; TOPMed 0.00002; ESP Exome Variant Server 0.00008.

Submission:

Labcorp Genetics (formerly Invitae), Labcorp
Classification: Uncertain significance for Disseminated atypical mycobacterial infection. Last evaluated: 2024-04-13. Review status: criteria provided, single submitter. Criteria: Invitae Variant Classification Sherloc (09022015). Collection method: clinical testing. Allele origin: germline.
Comment: This sequence change replaces phenylalanine, which is neutral and non-polar, with serine, which is neutral and polar, at codon 412 of the IFNGR1 protein (p.Phe412Ser). This variant is present in population databases (rs377166336, gnomAD 0.002%). This variant has not been reported in the literature in individuals affected with IFNGR1-related conditions. An algorithm developed to predict the effect of missense changes on protein structure and function (PolyPhen-2) suggests that this variant is likely to be tolerated. In summary, the available evidence is currently insufficient to determine the role of this variant in disease. Therefore, it has been classified as a Variant of Uncertain Significance.

NM_000416.3(IFNGR1):c.1235T>C (p.Phe412Ser)

Gene: IFNGR1 (interferon gamma receptor 1; minus strand). Cytogenetic location: 6q23.3.
Variant type: single nucleotide variant.
Coding change: c.1235T>C on transcript NM_000416.3 (MANE Select); coding-DNA position 1235, T replaced by C.
Protein change: p.Phe412Ser; replaces phenylalanine 412 with serine.
Molecular consequence: missense variant.
Genome position (GRCh38, 1-based): chr6:137,198,266, A>G on the plus strand (T>C on the coding strand, the complement: IFNGR1 is on the minus strand). VCF-style: chr6-137198266-A-G. GRCh37 (hg19) VCF-style: chr6-137519403-A-G.
Other names: c.1205T>C, p.Phe402Ser (NM_001363526.1); c.1112T>C, p.Phe371Ser (NM_001363527.1); short protein forms F412S, F371S, F402S.
Identifiers: ClinVar variation 3005995 (VCV003005995.3), dbSNP rs377166336, ClinGen allele CA4018789.
Genomic context (GRCh38, chr6:137,198,266, plus strand): 5'-GGGGGAAATTCTGAGTCAGATAAGGAGCTATGTGATTCCAGACAGCTGGAATCAGTATCA[A>G]AACCATTTCTGGAGTGATCACTCTCAGAACAATTTCTGGAGTGATACGAGTTTAAAGCGA-3'
Protein context (NP_000407.1, residues 402-422): CSESDHSRNG[Phe412Ser]DTDSSCLESH